The following is an entry in ClinVar:

ClinVar aggregate classification (germline): Pathogenic (1 of 4 stars; one submission).

Submission:

Athena Diagnostics
Classification: Pathogenic. Last evaluated: 2023-07-06. Review status: criteria provided, single submitter. Criteria: Athena Diagnostics Criteria. Collection method: clinical testing. Allele origin: unknown.
Comment: This variant has been identified in at least one individual with clinical features associated with CADASIL. This variant has not been reported in large, multi-ethnic general populations. This variant alters a critical location within the protein, and is expected to severely affect function and cause disease. Greater than 90% of NOTCH3 pathogenic variants associated with CADASIL involve the gain or loss of a cysteine residue within the epidermal growth factor (EGF)-like repeat domain (PMID: 32457593, 20301673).

Literature cited by the submitters: PubMed 16009764; PubMed 15364702.

NM_000435.3(NOTCH3):c.1646G>A (p.Cys549Tyr)

Gene: NOTCH3 (notch receptor 3; minus strand). Cytogenetic location: 19p13.12.
Variant type: single nucleotide variant.
Coding change: c.1646G>A on transcript NM_000435.3 (MANE Select); coding-DNA position 1646, G replaced by A.
Protein change: p.Cys549Tyr; replaces cysteine 549 with tyrosine.
Molecular consequence: missense variant.
Genome position (GRCh38, 1-based): chr19:15,187,299, C>T on the plus strand (G>A on the coding strand, the complement: NOTCH3 is on the minus strand). VCF-style: chr19-15187299-C-T. GRCh37 (hg19) VCF-style: chr19-15298110-C-T.
Other names: short protein forms C549Y.
Identifiers: ClinVar variation 447792 (VCV000447792.3), dbSNP rs1555728814, ClinGen allele CA404526030.